The following is an entry in ClinVar:

NM_000053.4(ATP7B):c.1555G>A (p.Val519Met)

Gene: ATP7B (ATPase copper transporting beta; minus strand). Cytogenetic location: 13q14.3.
Variant type: single nucleotide variant.
Coding change: c.1555G>A on transcript NM_000053.4 (MANE Select); coding-DNA position 1555, G replaced by A.
Protein change: p.Val519Met; replaces valine 519 with methionine.
Molecular consequence: missense variant.
Genome position (GRCh38, 1-based): chr13:51,968,596, C>T on the plus strand (G>A on the coding strand, the complement: ATP7B is on the minus strand). VCF-style: chr13-51968596-C-T. GRCh37 (hg19) VCF-style: chr13-52542732-C-T.
Other names: c.1555G>A, p.Val519Met (NM_001330578.2, NM_001330579.2, NM_001005918.3); c.1222G>A, p.Val408Met (NM_001243182.2); short protein forms V408M, V519M.
Identifiers: ClinVar variation 807938 (VCV000807938.69), dbSNP rs192957846, ClinGen allele CA6989302.

ClinVar aggregate classification (germline): Conflicting classifications of pathogenicity. Review status: criteria provided, conflicting classifications (1 of 4 stars). 13 submissions from 13 submitters: Uncertain significance (11); Likely benign (1). 1 of the submissions does not count toward it. Last evaluated 2026-03-03.

Conditions:
Wilson disease (WND). Also called: Wilson's disease. Identifiers: Orphanet 905, MedGen C0019202, MONDO:0010200, OMIM 277900. Disease mechanism: loss of function.

Allele frequency attached by ClinVar (database versions not stated): 1000 Genomes Project 30x 0.00016; 1000 Genomes Project 0.00020; ESP Exome Variant Server 0.00040; gnomAD 0.00041; TOPMed 0.00053; gnomAD exomes 0.00060; ExAC 0.00073.
gnomAD v4.1: 1,064 of 1,614,100 alleles (0.066%); highest among the groups gnomAD compares: Non-Finnish European, 0.083%; no homozygotes.

Submissions (13):

Women's Health and Genetics/Laboratory Corporation of America, LabCorp
Classification: Uncertain significance. Last evaluated: 2026-03-03. Review status: criteria provided, single submitter. Criteria: LabCorp Variant Classification Summary - May 2015. Collection method: clinical testing. Allele origin: germline.
Comment: Variant summary: ATP7B c.1555G>A (p.Val519Met) results in a conservative amino acid change located in the fifth copper ion-binding domain (IPR006122) of the encoded protein sequence. Algorithms developed to predict the effect of missense changes on protein structure and function are either unavailable or do not agree on the potential impact of this missense change. The variant allele was found at a frequency of 0.0006 in 249396 control chromosomes, predominantly at a frequency of 0.0011 within the Non-Finnish European subpopulation in the gnomAD database, including 1 homozygotes. This frequency is not significantly higher than estimated for disease-causing variants in ATP7B, allowing no conclusion about variant significance. c.1555G>A has been observed in a newborn with low ceruloplasmin value, without further follow-up (Kroll_2006). These report(s) do not provide unequivocal conclusions about association of the variant with Wilson Disease. To our knowledge, no experimental evidence demonstrating an impact on protein function has been reported. The following publications have been ascertained in the context of this evaluation (PMID: 24253677, 16644258, 29063292). ClinVar contains an entry for this variant (Variation ID: 807938). Based on the evidence outlined above, the variant was classified as uncertain significance.

CeGaT Center for Human Genetics Tuebingen
Classification: Uncertain significance. Last evaluated: 2025-10-01. Review status: criteria provided, single submitter. Criteria: CeGaT Center For Human Genetics Tuebingen Variant Classification Criteria Version 2. Collection method: clinical testing. Allele origin: germline. Affected: yes. Observed: 3 variant alleles.

ARUP Laboratories, Molecular Genetics and Genomics, ARUP Laboratories
Classification: Uncertain significance for Wilson disease. Last evaluated: 2025-07-17. Review status: criteria provided, single submitter. Criteria: ARUP Molecular Germline Variant Investigation Process 2024. Collection method: clinical testing. Allele origin: germline.
Comment: The ATP7B c.1555G>A; p.Val519Met variant (rs192957846, ClinVar Variation ID: 807938) is reported in the literature in a newborn with low ceruloplasmin (Kroll 2006). This variant is found in the general population with an overall allele frequency of 0.058% (163/280786 alleles, including 1 homozygote) in the Genome Aggregation Database (v2.1.1). Computational analyses are uncertain whether this variant is neutral or deleterious (REVEL: 0.692). Due to limited information, the clinical significance of this variant is uncertain at this time. References: Kroll et al. Retrospective determination of ceruloplasmin in newborn screening blood spots of patients with Wilson disease. Mol Genet Metab. 2006 Sep-Oct;89(1-2):134-8. PMID: 16644258.

Color Diagnostics, LLC DBA Color Health
Classification: Uncertain significance for Wilson disease. Last evaluated: 2025-06-05. Review status: criteria provided, single submitter. Criteria: ACMG Guidelines, 2015. Collection method: clinical testing. Allele origin: germline.
Comment: This missense variant replaces valine with methionine at codon 519 of the ATP7B protein. Computational prediction is inconclusive regarding the impact of this variant on protein structure and function. To our knowledge, functional studies have not been reported for this variant. This variant has been reported in an individual affected with Wilson disease (PMID: 16644258). This variant has been identified in 163/280786 chromosomes in the general population by the Genome Aggregation Database (gnomAD). The available evidence is insufficient to determine the role of this variant in disease conclusively. Therefore, this variant is classified as a Variant of Uncertain Significance.

Mayo Clinic Laboratories, Mayo Clinic
Classification: Uncertain significance. Last evaluated: 2025-03-10. Review status: criteria provided, single submitter. Criteria: ACMG Guidelines, 2015. Collection method: clinical testing. Allele origin: germline. Observed: 3 variant alleles.
Comment: PP3, PM3

All of Us Research Program, National Institutes of Health
Classification: Uncertain significance for Wilson disease. Last evaluated: 2024-09-23. Review status: criteria provided, single submitter. Criteria: ACMG Guidelines, 2015. Collection method: clinical testing. Allele origin: germline. Inheritance: Autosomal recessive inheritance. Observed: 152 variant alleles, 152 heterozygotes.
Comment: This missense variant replaces valine with methionine at codon 519 of the ATP7B protein. Computational prediction is inconclusive regarding the impact of this variant on protein structure and function (internally defined REVEL score threshold 0.5 < inconclusive < 0.7, PMID: 27666373). To our knowledge, functional studies have not been reported for this variant. This variant has been reported in an individual affected with Wilson disease (PMID: 16644258). This variant has been identified in 163/280786 chromosomes in the general population by the Genome Aggregation Database (gnomAD). The available evidence is insufficient to determine the role of this variant in disease conclusively. Therefore, this variant is classified as a Variant of Uncertain Significance.

This study involves interpretation of variants in research participants for the purpose of population health screening. Participant phenotype was not available at the time of variant classification. Additional details can be found in publication PMID: 35346344, PMCID: PMC8962531

GeneDx
Classification: Uncertain significance. Last evaluated: 2024-07-23. Review status: criteria provided, single submitter. Criteria: GeneDx Variant Classification Process June 2021. Collection method: clinical testing. Allele origin: germline. Affected: yes.
Comment: In silico analysis indicates that this missense variant does not alter protein structure/function; Reported as a variant of uncertain significance in an individual with reduced ceruloplasmin in a dried blood spot specimen; this individual did not have a second variant identified in ATP7B (PMID: 16644258); This variant is associated with the following publications: (PMID: 29063292, 29473088, 34620762, 24253677, 16644258)

Fulgent Genetics
Classification: Uncertain significance for Wilson disease. Last evaluated: 2024-05-28. Review status: criteria provided, single submitter. Criteria: ACMG Guidelines, 2015. Collection method: clinical testing. Allele origin: germline.

Blueprint Genetics
Classification: Likely benign. Last evaluated: 2024-03-24. Review status: criteria provided, single submitter. Criteria: ACMG Guidelines, 2015. Collection method: clinical testing. Allele origin: germline.

Labcorp Genetics (formerly Invitae), Labcorp
Classification: Uncertain significance for Wilson disease. Last evaluated: 2022-09-12. Review status: criteria provided, single submitter. Criteria: Invitae Variant Classification Sherloc (09022015). Collection method: clinical testing. Allele origin: germline.
Comment: This sequence change replaces valine, which is neutral and non-polar, with methionine, which is neutral and non-polar, at codon 519 of the ATP7B protein (p.Val519Met). This variant is present in population databases (rs192957846, gnomAD 0.1%), and has an allele count higher than expected for a pathogenic variant. This variant has not been reported in the literature in individuals affected with ATP7B-related conditions. ClinVar contains an entry for this variant (Variation ID: 807938). Advanced modeling of protein sequence and biophysical properties (such as structural, functional, and spatial information, amino acid conservation, physicochemical variation, residue mobility, and thermodynamic stability) performed at Invitae indicates that this missense variant is not expected to disrupt ATP7B protein function. In summary, the available evidence is currently insufficient to determine the role of this variant in disease. Therefore, it has been classified as a Variant of Uncertain Significance.

Genome-Nilou Lab
Classification: Uncertain significance for Wilson disease. Last evaluated: 2021-09-05. Review status: criteria provided, single submitter. Criteria: ACMG Guidelines, 2015. Collection method: clinical testing. Allele origin: germline. Affected: no.

Illumina Laboratory Services, Illumina
Classification: Uncertain significance for Wilson disease. Last evaluated: 2017-04-27. Review status: criteria provided, single submitter. Criteria: ICSL Variant Classification Criteria 13 December 2019. Collection method: clinical testing. Allele origin: germline.
Comment: This variant was observed as part of a predisposition screen in an ostensibly healthy population. A literature search was performed for the gene, cDNA change, and amino acid change (where applicable). Publications were found based on this search. However, the evidence from the literature, in combination with allele frequency data from public databases where available, was not sufficient to rule this variant in or out of causing disease. Therefore, this variant is classified as a variant of unknown significance.

Natera, Inc.
Classification: Uncertain significance for Wilson disease. Last evaluated: 2020-01-14. Review status: no assertion criteria provided. Collection method: clinical testing. Allele origin: germline. Not counted in ClinVar's aggregate classification.

Literature cited by the submitters: PubMed 24253677 (cited by Women's Health and Genetics/Laboratory Corporation of America, LabCorp); PubMed 16644258 (cited by 5 submitters); PubMed 29063292 (cited by Women's Health and Genetics/Laboratory Corporation of America, LabCorp and Mayo Clinic Laboratories, Mayo Clinic); PubMed 29473088 (cited by Mayo Clinic Laboratories, Mayo Clinic).